The following is an entry in ClinVar:

ClinVar aggregate classification (germline): Benign/Likely benign. Review status: criteria provided, multiple submitters, no conflicts (2 of 4 stars). 3 submissions from 3 submitters: Benign (1); Likely benign (1). 1 of the submissions does not count toward it. Last evaluated 2025-10-29.

Conditions:
KATNB1-related disorder. Also called: KATNB1-related condition.

Allele frequency attached by ClinVar (database versions not stated): gnomAD 0.00020 and 0.00052; TOPMed 0.00039; gnomAD exomes 0.00063 and 0.00076; ExAC 0.00084; 1000 Genomes Project 30x 0.00172; 1000 Genomes Project 0.00200.
gnomAD v4.1: 982 of 1,612,802 alleles (0.061%); highest among the groups gnomAD compares: East Asian, 2%; 18 homozygotes.

Submissions (4):

Labcorp Genetics (formerly Invitae), Labcorp
Classification: Benign. Last evaluated: 2025-10-29. Review status: criteria provided, single submitter. Criteria: Invitae Variant Classification Sherloc (09022015). Collection method: clinical testing. Allele origin: germline.

GeneDx
Classification: Likely benign. Last evaluated: 2020-01-19. Review status: criteria provided, single submitter. Criteria: GeneDx Variant Classification Process June 2021. Collection method: clinical testing. Allele origin: germline. Affected: yes.

PreventionGenetics, part of Exact Sciences
Classification: Benign for KATNB1-related condition. Last evaluated: 2019-09-10. Review status: no assertion criteria provided. Collection method: clinical testing. Allele origin: germline. Not counted in ClinVar's aggregate classification.
Comment: This variant is classified as benign based on ACMG/AMP sequence variant interpretation guidelines (Richards et al. 2015 PMID: 25741868, with internal and published modifications).

Dr. Peter K. Rogan Lab, Western University
No classification provided (evidence only). Condition: Uterine carcinosarcoma. Review status: no classification provided. Collection method: in vitro. Allele origin: not applicable. Functional consequence: retained intron. Not counted in ClinVar's aggregate classification.

NM_005886.3(KATNB1):c.1417-9C>G

Gene: KATNB1 (katanin regulatory subunit B1; plus strand). Cytogenetic location: 16q21.
Variant type: single nucleotide variant.
Coding change: c.1417-9C>G on transcript NM_005886.3 (MANE Select); 9 bases into the intron before coding-DNA position 1417, C replaced by G.
Molecular consequence: intron variant.
Genome position (GRCh38, 1-based): chr16:57,755,336, C>G. VCF-style: chr16-57755336-C-G. GRCh37 (hg19) VCF-style: chr16-57789248-C-G.
Identifiers: ClinVar variation 753508 (VCV000753508.13), dbSNP rs79965203, ClinGen allele CA8081218.